The following is an entry in ClinVar:

NM_000045.4(ARG1):c.473A>G (p.Asp158Gly)

Genes: ARG1 (arginase 1; plus strand), MED23 (mediator complex subunit 23; minus strand). Cytogenetic location: 6q23.2.
Variant type: single nucleotide variant.
Coding change: c.473A>G on transcript NM_000045.4 (MANE Select); coding-DNA position 473, A replaced by G.
Protein change: p.Asp158Gly; replaces aspartic acid 158 with glycine.
Molecular consequence: missense variant. On other transcripts: non-coding transcript variant (1), intron variant (3).
Genome position (GRCh38, 1-based): chr6:131,582,628, A>G. VCF-style: chr6-131582628-A-G. GRCh37 (hg19) VCF-style: chr6-131903768-A-G.
Other names: c.497A>G, p.Asp166Gly (NM_001244438.2); c.306-432A>G (NM_001369020.1); c.4077+5081T>C (NM_001270521.2); c.4095+5081T>C (NM_015979.4); short protein forms D158G, D166G.
Identifiers: ClinVar variation 1518996 (VCV001518996.6), dbSNP rs2114545404, ClinGen allele CA365651248.

ClinVar aggregate classification (germline): Uncertain significance (1 of 4 stars; one submission).

Conditions:
Arginase deficiency. Also called: ARGININEMIA; ARG1 DEFICIENCY; Arginase 1 Deficiency. Identifiers: Orphanet 90, MedGen C0268548, MONDO:0008814, OMIM 207800.

Submission:

Labcorp Genetics (formerly Invitae), Labcorp
Classification: Uncertain significance for Arginase deficiency. Last evaluated: 2021-09-10. Review status: criteria provided, single submitter. Criteria: Invitae Variant Classification Sherloc (09022015). Collection method: clinical testing. Allele origin: germline.
Comment: This sequence change replaces aspartic acid with glycine at codon 158 of the ARG1 protein (p.Asp158Gly). The aspartic acid residue is moderately conserved and there is a moderate physicochemical difference between aspartic acid and glycine. This variant is not present in population databases (ExAC no frequency). This variant has not been reported in the literature in individuals affected with ARG1-related conditions. Algorithms developed to predict the effect of missense changes on protein structure and function (SIFT, PolyPhen-2, Align-GVGD) all suggest that this variant is likely to be tolerated. Algorithms developed to predict the effect of sequence changes on RNA splicing suggest that this variant may create or strengthen a splice site. In summary, the available evidence is currently insufficient to determine the role of this variant in disease. Therefore, it has been classified as a Variant of Uncertain Significance.